The following is an entry in ClinVar:

NM_000416.3(IFNGR1):c.5C>G (p.Ala2Gly)

Gene: IFNGR1 (interferon gamma receptor 1; minus strand). Cytogenetic location: 6q23.3.
Variant type: single nucleotide variant.
Coding change: c.5C>G on transcript NM_000416.3 (MANE Select); coding-DNA position 5, C replaced by G.
Protein change: p.Ala2Gly; replaces alanine 2 with glycine.
Molecular consequence: missense variant.
Genome position (GRCh38, 1-based): chr6:137,219,323, G>C on the plus strand (C>G on the coding strand, the complement: IFNGR1 is on the minus strand). VCF-style: chr6-137219323-G-C. GRCh37 (hg19) VCF-style: chr6-137540460-G-C.
Other names: short protein forms A2G.
Identifiers: ClinVar variation 861875 (VCV000861875.11), dbSNP rs121913172, ClinGen allele CA4019114.
Genomic context (GRCh38, chr6:137,219,323, plus strand): 5'-GCGGTGCCCATCTCAGCCCTGCTCACACCCTGCATGACAAGGGGTAGGAGAAAGAGGAGA[G>C]CCATGCTGCTACCGACGGTCGCTGGCTCCAACCCCGAGCGCCTGCGGGACCAGCCCAGCA-3'
Protein context (NP_000407.1, residues 1-12): M[Ala2Gly]LLFLLPLVMQ

ClinVar aggregate classification (germline): Uncertain significance (1 of 4 stars; one submission).

Conditions:
Disseminated atypical mycobacterial infection. Identifiers: MedGen C0694566.

Allele frequency attached by ClinVar (database versions not stated): gnomAD exomes 0.00002; TOPMed 0.00003; ExAC 0.00004; 1000 Genomes Project 30x 0.00016; 1000 Genomes Project 0.00020.
gnomAD v4.1: 13 of 1,607,166 alleles (0.00081%); highest among the groups gnomAD compares: East Asian, 0.029%; no homozygotes.

Submission:

Labcorp Genetics (formerly Invitae), Labcorp
Classification: Uncertain significance for Disseminated atypical mycobacterial infection. Last evaluated: 2019-03-04. Review status: criteria provided, single submitter. Criteria: Invitae Variant Classification Sherloc (09022015). Collection method: clinical testing. Allele origin: germline.
Comment: In summary, the available evidence is currently insufficient to determine the role of this variant in disease. Therefore, it has been classified as a Variant of Uncertain Significance. Algorithms developed to predict the effect of missense changes on protein structure and function output the following: SIFT: "Tolerated"; PolyPhen-2: "Benign"; Align-GVGD: "Class C0". The glycine amino acid residue is found in multiple mammalian species, suggesting that this missense change does not adversely affect protein function. These predictions have not been confirmed by published functional studies and their clinical significance is uncertain. This variant has not been reported in the literature in individuals with IFNGR1-related conditions. This variant is present in population databases (rs121913172, ExAC 0.05%). This sequence change replaces alanine with glycine at codon 2 of the IFNGR1 protein (p.Ala2Gly). The alanine residue is weakly conserved and there is a small physicochemical difference between alanine and glycine.